The following is an entry in ClinVar:

NM_001201543.2(FAM161A):c.238G>T (p.Glu80Ter)

Gene: FAM161A (FAM161 centrosomal protein A; minus strand). Cytogenetic location: 2p15.
Variant type: single nucleotide variant.
Coding change: c.238G>T on transcript NM_001201543.2 (MANE Select); coding-DNA position 238, G replaced by T.
Protein change: p.Glu80Ter; replaces glutamic acid 80 with a stop codon.
Molecular consequence: nonsense. On other transcripts: non-coding transcript variant (1).
Genome position (GRCh38, 1-based): chr2:61,842,306, C>A on the plus strand (G>T on the coding strand, the complement: FAM161A is on the minus strand). VCF-style: chr2-61842306-C-A. GRCh37 (hg19) VCF-style: chr2-62069441-C-A.
Other names: c.238G>T (NM_001201543.1); c.238G>T, p.Glu80Ter (NM_032180.3); short protein forms E80*.
Identifiers: ClinVar variation 4805425 (VCV004805425.3).
Genomic context (GRCh38, chr2:61,842,306, plus strand): 5'-CTACTTTCTTGAAATACTCCTCATTAGAGTGGTGAATATCAGGAAAGTTCACAAAGTCCT[C>A]ATAGCTTATCGGTGCATGTTCATCCACCCCAGAAAAGCTGGTGTTCAAATCAGCCTGGTG-3'

ClinVar aggregate classification (germline): Pathogenic/Likely pathogenic. Review status: criteria provided, multiple submitters, no conflicts (2 of 4 stars). 3 submissions from 3 submitters: Pathogenic (1); Likely pathogenic (2). Last evaluated 2026-01-13.

Conditions:
Retinitis pigmentosa 28 (RP28). Identifiers: Orphanet 791, MedGen C1419614, MONDO:0011630, OMIM 606068.

gnomAD v4.1: 1 of 1,600,900 alleles (0.000062%); highest among the groups gnomAD compares: South Asian, 0.0011%; no homozygotes.

Submissions (3):

Labcorp Genetics (formerly Invitae), Labcorp
Classification: Pathogenic. Last evaluated: 2026-01-13. Review status: criteria provided, single submitter. Criteria: Invitae Variant Classification Sherloc (09022015). Collection method: clinical testing. Allele origin: germline.
Comment: This sequence change creates a premature translational stop signal (p.Glu80*) in the FAM161A gene. It is expected to result in an absent or disrupted protein product. Loss-of-function variants in FAM161A are known to be pathogenic (PMID: 20705278, 20705279, 24651477). This variant is not present in population databases (gnomAD no frequency). This variant has not been reported in the literature in individuals affected with FAM161A-related conditions. For these reasons, this variant has been classified as Pathogenic.

First Genomix Gene Laboratory, Genetic Diagnostics Department
Classification: Likely pathogenic for Retinitis pigmentosa 28. Last evaluated: 2025-01-11. Review status: criteria provided, single submitter. Criteria: ACMG Guidelines, 2015. Collection method: clinical testing. Allele origin: germline. Inheritance: Autosomal recessive inheritance. Affected: no. Observed: 1 variant allele.

Natera, Inc.
Classification: Likely pathogenic for Retinitis pigmentosa type 28. Last evaluated: 2024-12-24. Review status: criteria provided, single submitter. Criteria: Natera Variant Classification Schema (03/2026). Collection method: clinical testing. Allele origin: germline.
Comment: The c.238G>T variant in FAM161A is a nonsense variant predicted to introduce a stop codon at amino acid 80. This variant is expected to result in nonsense mediated decay, truncation, or a dysfunctional protein product. This variant is rare in the general population with a frequency below the threshold expected for the associated phenotype(s). Given the available evidence, this variant is classified as Likely Pathogenic.

Literature cited by the submitters: PubMed 20705278 (cited by Labcorp Genetics (formerly Invitae), Labcorp); PubMed 20705279 (cited by Labcorp Genetics (formerly Invitae), Labcorp); PubMed 24651477 (cited by Labcorp Genetics (formerly Invitae), Labcorp).